The following is an entry in ClinVar:

ClinVar aggregate classification (germline): Likely benign. Review status: criteria provided, multiple submitters, no conflicts (2 of 4 stars). 4 submissions from 4 submitters: Likely benign (3). 1 of the submissions does not count toward it. Last evaluated 2026-01-24.

Conditions:
OTOF-related disorder. Also called: OTOF-related condition.

Allele frequency attached by ClinVar (database versions not stated): gnomAD exomes 0.00006 and 0.00012; ExAC 0.00015; 1000 Genomes Project 0.00020; 1000 Genomes Project 30x 0.00031; ESP Exome Variant Server 0.00038; gnomAD 0.00044 and 0.00048; TOPMed 0.00056.
gnomAD v4.1: 162 of 1,612,650 alleles (0.01%); highest among the groups gnomAD compares: African/African-American, 0.15%; no homozygotes.

Submissions (4):

Labcorp Genetics (formerly Invitae), Labcorp
Classification: Likely benign. Last evaluated: 2026-01-24. Review status: criteria provided, single submitter. Criteria: Invitae Variant Classification Sherloc (09022015). Collection method: clinical testing. Allele origin: germline.

GeneDx
Classification: Likely benign. Last evaluated: 2020-04-13. Review status: criteria provided, single submitter. Criteria: GeneDx Variant Classification Process June 2021. Collection method: clinical testing. Allele origin: germline. Affected: yes.

Laboratory for Molecular Medicine, Mass General Brigham Personalized Medicine
Classification: Likely benign. Last evaluated: 2012-04-30. Review status: criteria provided, single submitter. Criteria: LMM Criteria. Collection method: clinical testing. Allele origin: germline. Observed: 1 variant allele.
Comment: Asp340Asp in Exon 11 of OTOF: This variant is not expected to have clinical sign ificance because it does not alter an amino acid residue, is not located within the splice consensus sequence, and has been identified in 0.2% (6/3738) of Afric an American chromosomes from a broad population by the NHLBI Exome Sequencing Pr oject (dbSNP rs138250704).

PreventionGenetics, part of Exact Sciences
Classification: Likely benign for OTOF-related condition. Last evaluated: 2019-08-20. Review status: no assertion criteria provided. Collection method: clinical testing. Allele origin: germline. Not counted in ClinVar's aggregate classification.
Comment: This variant is classified as likely benign based on ACMG/AMP sequence variant interpretation guidelines (Richards et al. 2015 PMID: 25741868, with internal and published modifications).

NM_194248.3(OTOF):c.1020C>T (p.Asp340=)

Gene: OTOF (otoferlin; minus strand). Cytogenetic location: 2p23.3.
Variant type: single nucleotide variant.
Coding change: c.1020C>T on transcript NM_194248.3 (MANE Select); coding-DNA position 1020, C replaced by T.
Protein change: p.Asp340=; no amino-acid change (aspartic acid 340 retained).
Molecular consequence: synonymous variant.
Genome position (GRCh38, 1-based): chr2:26,489,236, G>A on the plus strand (C>T on the coding strand, the complement: OTOF is on the minus strand). VCF-style: chr2-26489236-G-A. GRCh37 (hg19) VCF-style: chr2-26712104-G-A.
Other names: c.1020C>T, p.Asp340= (NM_001287489.2).
Identifiers: ClinVar variation 164875 (VCV000164875.18), dbSNP rs138250704, ClinGen allele CA177566.
Genomic context (GRCh38, chr2:26,489,236, plus strand): 5'-ACACCTCGACTGACTGGCCATGCGCAGGTACTCACCTGGCTGCGAGTACACGGTTCCCAC[G>A]TCCATTTTGAAGGAGCCCACCAGGGTGCCACTGCGCAGCAGGTTCTTGGAGTGAATCACC-3'
Protein context (NP_919224.1, residues 330-350): SGTLVGSFKM[Asp340=]VGTVYSQPEH